The following is an entry in ClinVar:

NM_006642.5(SDCCAG8):c.815C>T (p.Ala272Val)

Gene: SDCCAG8 (SHH signaling and ciliogenesis regulator SDCCAG8; plus strand). Cytogenetic location: 1q43.
Variant type: single nucleotide variant.
Coding change: c.815C>T on transcript NM_006642.5 (MANE Select); coding-DNA position 815, C replaced by T.
Protein change: p.Ala272Val; replaces alanine 272 with valine.
Molecular consequence: missense variant. On other transcripts: 5 prime UTR variant (3).
Genome position (GRCh38, 1-based): chr1:243,308,063, C>T. VCF-style: chr1-243308063-C-T. GRCh37 (hg19) VCF-style: chr1-243471365-C-T.
Other names: c.-89C>T (NM_001350246.2, NM_001350247.2, NM_001350251.2); c.911C>T, p.Ala304Val (NM_001350248.2); c.521C>T, p.Ala174Val (NM_001350249.2); c.815C>T (NM_006642.3); short protein forms A272V, A304V, A174V.
Identifiers: ClinVar variation 1958869 (VCV001958869.6), dbSNP rs760305679, ClinGen allele CA345479125.
Genomic context (GRCh38, chr1:243,308,063, plus strand): 5'-AATATCAGAGAACTTGTGAAGATCTTAAAGAGCAACTAAAGCATAAAGAATTTCTTCTGG[C>T]TGCTAATACTTGTAACCGTGTTGGTGGTCTTTGTTTGAAATGTGCTCAGCATGAAGCTGT-3'
Protein context (NP_006633.1, residues 262-282): EQLKHKEFLL[Ala272Val]ANTCNRVGGL

ClinVar aggregate classification (germline): Uncertain significance. Review status: criteria provided, multiple submitters, no conflicts (2 of 4 stars). 2 submissions from 2 submitters: Uncertain significance (2). Last evaluated 2025-08-30.

Conditions:
Inborn genetic diseases. Identifiers: MedGen C0950123, MeSH D030342.
Senior-Loken syndrome 7 (SLSN7). Identifiers: Orphanet 3156, MedGen C3150877, MONDO:0013326, OMIM 613615.
Bardet-Biedl syndrome 16 (BBS16). Identifiers: Orphanet 110, MedGen C3889474, MONDO:0014444, OMIM 615993.

Allele frequency attached by ClinVar (database versions not stated): TOPMed below 0.00001.
gnomAD v4.1: 6 of 1,614,126 alleles (0.00037%); highest among the groups gnomAD compares: Non-Finnish European, 0.00051%; no homozygotes.

Submissions (2):

Ambry Genetics
Classification: Uncertain significance for Inborn genetic diseases. Last evaluated: 2025-08-30. Review status: criteria provided, single submitter. Criteria: Ambry Variant Classification Scheme 2023. Collection method: clinical testing. Allele origin: germline.

Labcorp Genetics (formerly Invitae), Labcorp
Classification: Uncertain significance for Bardet-Biedl syndrome 16; Senior-Loken syndrome 7. Last evaluated: 2022-01-17. Review status: criteria provided, single submitter. Criteria: Invitae Variant Classification Sherloc (09022015). Collection method: clinical testing. Allele origin: germline.
Comment: This sequence change replaces alanine, which is neutral and non-polar, with valine, which is neutral and non-polar, at codon 272 of the SDCCAG8 protein (p.Ala272Val). This variant is present in population databases (no rsID available, gnomAD 0.0009%). This variant has not been reported in the literature in individuals affected with SDCCAG8-related conditions. Algorithms developed to predict the effect of missense changes on protein structure and function are either unavailable or do not agree on the potential impact of this missense change (SIFT: "Tolerated"; PolyPhen-2: "Possibly Damaging"; Align-GVGD: "Class C0"). In summary, the available evidence is currently insufficient to determine the role of this variant in disease. Therefore, it has been classified as a Variant of Uncertain Significance.